The following is an entry in ClinVar:

NM_024301.5(FKRP):c.600G>A (p.Val200=)

Gene: FKRP (fukutin related protein; plus strand). Cytogenetic location: 19q13.32.
Variant type: single nucleotide variant.
Coding change: c.600G>A on transcript NM_024301.5 (MANE Select); coding-DNA position 600, G replaced by A.
Protein change: p.Val200=; no amino-acid change (valine 200 retained).
Molecular consequence: synonymous variant.
Genome position (GRCh38, 1-based): chr19:46,756,050, G>A. VCF-style: chr19-46756050-G-A. GRCh37 (hg19) VCF-style: chr19-47259307-G-A.
Other names: p.Val200=; c.600G>A, p.Val200= (NM_001039885.3).
Identifiers: ClinVar variation 1583633 (VCV001583633.9), dbSNP rs2054910281, ClinGen allele CA507975817.

ClinVar aggregate classification (germline): Likely benign. Review status: criteria provided, multiple submitters, no conflicts (2 of 4 stars). 2 submissions from 2 submitters: Likely benign (2). Last evaluated 2025-11-13.

Conditions:
Walker-Warburg congenital muscular dystrophy. Also called: Muscular dystrophy-dystroglycanopathy, type A; Walker-Warburg syndrome. Identifiers: Orphanet 899, MedGen C0265221, MONDO:0000171.

Submissions (2):

Labcorp Genetics (formerly Invitae), Labcorp
Classification: Likely benign for Walker-Warburg congenital muscular dystrophy. Last evaluated: 2025-11-13. Review status: criteria provided, single submitter. Criteria: Invitae Variant Classification Sherloc (09022015). Collection method: clinical testing. Allele origin: germline.

Mayo Clinic Laboratories, Mayo Clinic
Classification: Likely benign. Last evaluated: 2025-01-02. Review status: criteria provided, single submitter. Criteria: ACMG Guidelines, 2015. Collection method: clinical testing. Allele origin: germline. Observed: 1 variant allele.
Comment: BP4, BP7, PM2_supporting